The following is an entry in ClinVar:

NM_000263.4(NAGLU):c.309G>A (p.Trp103Ter)

Gene: NAGLU (N-acetyl-alpha-glucosaminidase; plus strand). Cytogenetic location: 17q21.2.
Variant type: single nucleotide variant.
Coding change: c.309G>A on transcript NM_000263.4 (MANE Select); coding-DNA position 309, G replaced by A.
Protein change: p.Trp103Ter; replaces tryptophan 103 with a stop codon.
Molecular consequence: nonsense.
Genome position (GRCh38, 1-based): chr17:42,536,581, G>A. VCF-style: chr17-42536581-G-A. GRCh37 (hg19) VCF-style: chr17-40688599-G-A.
Other names: short protein forms W103*.
Identifiers: ClinVar variation 590818 (VCV000590818.4), dbSNP rs1567890328, ClinGen allele CA399596038.
Genomic context (GRCh38, chr17:42,536,581, plus strand): 5'-GGCGGCCGCCGCGGGGCTGCACCGCTACCTGCGCGACTTCTGTGGCTGCCACGTGGCCTG[G>A]TCCGGCTCTCAGCTGCGCCTGCCGCGGCCACTGCCAGCCGTGCCGGGGGAGCTGACCGAG-3'

ClinVar aggregate classification (germline): Pathogenic. Review status: criteria provided, single submitter (1 of 4 stars). 2 submissions from 2 submitters: Pathogenic (1). 1 of the submissions does not count toward it. Last evaluated 2022-12-23.

Conditions:
Mucopolysaccharidosis, MPS-III-B (MPS3B). Also called: MPS III B; MUCOPOLYSACCHARIDOSIS, TYPE IIIB; N-ACETYL-ALPHA-D-GLUCOSAMINIDASE DEFICIENCY; NAGLU DEFICIENCY; SANFILIPPO SYNDROME B; Mucopolysaccharidosis type IIIB (Sanfilippo B). Identifiers: Orphanet 79270, MedGen C0086648, MONDO:0009656, OMIM 252920.
Charcot-Marie-Tooth disease axonal type 2V. Also called: CHARCOT-MARIE-TOOTH NEUROPATHY, TYPE 2V; CHARCOT-MARIE-TOOTH DISEASE, AXONAL, AUTOSOMAL DOMINANT, TYPE 2V. Identifiers: Orphanet 447964, MedGen C5569050, MONDO:0014665, OMIM 616491.

Submissions (2):

Labcorp Genetics (formerly Invitae), Labcorp
Classification: Pathogenic for Charcot-Marie-Tooth disease axonal type 2V; Mucopolysaccharidosis, MPS-III-B. Last evaluated: 2022-12-23. Review status: criteria provided, single submitter. Criteria: Invitae Variant Classification Sherloc (09022015). Collection method: clinical testing. Allele origin: germline.
Comment: For these reasons, this variant has been classified as Pathogenic. ClinVar contains an entry for this variant (Variation ID: 590818). This premature translational stop signal has been observed in individual(s) with Sanfilippo syndrome (PMID: 32447333). This variant is not present in population databases (gnomAD no frequency). This sequence change creates a premature translational stop signal (p.Trp103*) in the NAGLU gene. It is expected to result in an absent or disrupted protein product. Loss-of-function variants in NAGLU are known to be pathogenic (PMID: 9832037, 10094189, 16151907).

SingHealth Duke-NUS Institute of Precision Medicine
Classification: Likely pathogenic for Mucopolysaccharidosis, MPS-III-B. Last evaluated: 2017-06-07. Review status: no assertion criteria provided. Collection method: curation. Allele origin: germline. Affected: no. Not counted in ClinVar's aggregate classification.

Literature cited by the submitters: PubMed 32447333 (cited by Labcorp Genetics (formerly Invitae), Labcorp); PubMed 9832037 (cited by Labcorp Genetics (formerly Invitae), Labcorp); PubMed 10094189 (cited by Labcorp Genetics (formerly Invitae), Labcorp); PubMed 16151907 (cited by Labcorp Genetics (formerly Invitae), Labcorp).